The following is an entry in ClinVar:

ClinVar aggregate classification (germline): Likely pathogenic (1 of 4 stars; one submission).

Conditions:
Hereditary cancer-predisposing syndrome. Also called: Neoplastic Syndromes, Hereditary; Tumor predisposition; Hereditary Cancer Syndrome; Hereditary neoplastic syndrome. Identifiers: Orphanet 140162, MedGen C0027672, MeSH D009386, MONDO:0015356.

Submissions (2):

Ambry Genetics
Classification: Likely pathogenic for Hereditary cancer-predisposing syndrome. Last evaluated: 2024-03-01. Review status: criteria provided, single submitter. Criteria: Ambry Variant Classification Scheme 2023. Collection method: clinical testing. Allele origin: germline.
Comment: The p.V1784E variant (also known as c.5351T>A), located in coding exon 20 of the BRCA1 gene, results from a T to A substitution at nucleotide position 5351. The valine at codon 1784 is replaced by glutamic acid, an amino acid with dissimilar properties. One functional study found that this nucleotide substitution is non-functional in a high throughput genome editing haploid cell survival assay (Findlay GM et al. Nature, 2018 Oct;562:217-222). This amino acid position is not well conserved in available vertebrate species. In addition, this alteration is predicted to be deleterious by in silico analysis. Based on the majority of available evidence to date, this variant is likely to be pathogenic.

Brotman Baty Institute, University of Washington
No classification provided (evidence only). Condition: Breast-ovarian cancer, familial 1. Review status: no classification provided. Collection method: in vitro. Allele origin: not applicable. Functional consequence: functionally_abnormal. Not counted in ClinVar's aggregate classification.
ClinVar note: "not provided" was previously submitted as the classification for the variant. However, the classification appeared to be based only on an observation of functional data so it was converted to no classification on 2025-07-30.

Literature cited by the submitters: PubMed 30209399 (cited by Ambry Genetics).

NM_007294.4(BRCA1):c.5351T>A (p.Val1784Glu)

Gene: BRCA1 (BRCA1 DNA repair associated; minus strand). Cytogenetic location: 17q21.31.
Variant type: single nucleotide variant.
Coding change: c.5351T>A on transcript NM_007294.4 (MANE Select); coding-DNA position 5351, T replaced by A.
Protein change: p.Val1784Glu; replaces valine 1784 with glutamic acid.
Molecular consequence: missense variant. On other transcripts: non-coding transcript variant (1), intron variant (1).
Genome position (GRCh38, 1-based): chr17:43,049,176, A>T on the plus strand (T>A on the coding strand, the complement: BRCA1 is on the minus strand). VCF-style: chr17-43049176-A-T. GRCh37 (hg19) VCF-style: chr17-41201193-A-T.
Other names: c.5345T>A, p.Val1782Glu (NM_001407627.1, NM_001407628.1, NM_001407629.1 and 13 more transcripts); c.5138T>A, p.Val1713Glu (NM_001407571.1, NM_001407895.1, NM_001407896.1 and 12 more transcripts); c.5417T>A, p.Val1806Glu (NM_001407581.1, NM_001407582.1); c.5414T>A, p.Val1805Glu (NM_001407583.1, NM_001407585.1, NM_001407587.1 and 1 more transcripts); c.5411T>A, p.Val1804Glu (NM_001407590.1, NM_001407591.1); c.5351T>A, p.Val1784Glu (NM_001407593.1, NM_001407594.1, NM_001407596.1 and 5 more transcripts); c.5348T>A, p.Val1783Glu (NM_001407618.1, NM_001407619.1, NM_001407620.1 and 14 more transcripts); c.5342T>A, p.Val1781Glu (NM_001407644.1, NM_001407645.1); and 73 more; short protein forms V1737E, V1784E, V1805E, V680E, V1488E, V1657E, V1671E, V1695E.
Identifiers: ClinVar variation 868026 (VCV000868026.4), dbSNP rs1367077331, ClinGen allele CA10590760.